The following is an entry in ClinVar:

ClinVar aggregate classification (germline): Uncertain significance. Review status: criteria provided, multiple submitters, no conflicts (2 of 4 stars). 3 submissions from 3 submitters: Uncertain significance (3). Last evaluated 2025-01-10.

Conditions:
Inborn genetic diseases. Identifiers: MedGen C0950123, MeSH D030342.

Allele frequency attached by ClinVar (database versions not stated): gnomAD exomes below 0.00001; gnomAD 0.00001; ExAC 0.00002; 1000 Genomes Project 30x 0.00016; 1000 Genomes Project 0.00020.
gnomAD v4.1: 5 of 1,613,944 alleles (0.00031%); highest among the groups gnomAD compares: East Asian, 0.011%; no homozygotes.

Submissions (3):

Ambry Genetics
Classification: Uncertain significance for Inborn genetic diseases. Last evaluated: 2025-01-10. Review status: criteria provided, single submitter. Criteria: Ambry Variant Classification Scheme 2023. Collection method: clinical testing. Allele origin: germline.

Labcorp Genetics (formerly Invitae), Labcorp
Classification: Uncertain significance. Last evaluated: 2022-03-03. Review status: criteria provided, single submitter. Criteria: Invitae Variant Classification Sherloc (09022015). Collection method: clinical testing. Allele origin: germline.
Comment: This sequence change replaces alanine, which is neutral and non-polar, with valine, which is neutral and non-polar, at codon 1673 of the CDH23 protein (p.Ala1673Val). This variant is present in population databases (rs558052046, gnomAD 0.02%). This variant has not been reported in the literature in individuals affected with CDH23-related conditions. Algorithms developed to predict the effect of missense changes on protein structure and function are either unavailable or do not agree on the potential impact of this missense change (SIFT: "Deleterious"; PolyPhen-2: "Not Available"; Align-GVGD: "Class C55"). In summary, the available evidence is currently insufficient to determine the role of this variant in disease. Therefore, it has been classified as a Variant of Uncertain Significance.

Blueprint Genetics
Classification: Uncertain significance. Last evaluated: 2020-03-02. Review status: criteria provided, single submitter. Criteria: ACMG Guidelines, 2015. Collection method: clinical testing. Allele origin: germline.

NM_022124.6(CDH23):c.5018C>T (p.Ala1673Val)

Gene: CDH23 (cadherin related 23; plus strand). Cytogenetic location: 10q22.1.
Variant type: single nucleotide variant.
Coding change: c.5018C>T on transcript NM_022124.6 (MANE Select); coding-DNA position 5018, C replaced by T.
Protein change: p.Ala1673Val; replaces alanine 1673 with valine.
Molecular consequence: missense variant.
Genome position (GRCh38, 1-based): chr10:71,777,852, C>T. VCF-style: chr10-71777852-C-T. GRCh37 (hg19) VCF-style: chr10-73537609-C-T.
Other names: c.5018C>T (NM_022124.5); short protein forms A1673V.
Identifiers: ClinVar variation 2151404 (VCV002151404.3), dbSNP rs558052046, ClinGen allele CA5545605.